The following is an entry in ClinVar:

NC_000003.12:g.(?_4449256)_(4467255_?)del

Genes: SUMF1 (sulfatase modifying factor 1; minus strand), LOC129936056 (ATAC-STARR-seq lymphoblastoid silent region 14016; plus strand). Cytogenetic location: 3p26.1.
Variant type: Deletion.
Identifiers: ClinVar variation 666213 (VCV000666213.6).

ClinVar aggregate classification (germline): Pathogenic (1 of 4 stars; one submission).

Conditions:
Multiple sulfatase deficiency (MSD). Also called: Mucosulfatidosis; Multiple Sulfatase Deficiency Disease; Sulfatidosis, Juvenile, Austin Type. Identifiers: Orphanet 585, MedGen C0268263, MONDO:0010088, OMIM 272200.

Submission:

Labcorp Genetics (formerly Invitae), Labcorp
Classification: Pathogenic for Multiple sulfatase deficiency. Last evaluated: 2020-11-12. Review status: criteria provided, single submitter. Criteria: Invitae Variant Classification Sherloc (09022015). Collection method: clinical testing. Allele origin: germline.
Comment: This variant is a gross deletion of the genomic region encompassing exon(s) 1-3 of the SUMF1 gene, which includes the initiator codon. The 5' end of this event is unknown as it extends beyond the assayed region for this gene and therefore may encompass additional genes. The 3' boundary is likely confined to intron 3 of the SUMF1 gene. It is expected to result in an absent or disrupted protein product. Loss-of-function variants in SUMF1 are known to be pathogenic (PMID: 12757705, 12757706, 25885655). This variant has not been reported in the literature in individuals with SUMF1-related conditions. For these reasons, this variant has been classified as Pathogenic.

Literature cited by the submitters: PubMed 12757705; PubMed 12757706; PubMed 25885655.